The following is an entry in ClinVar:

NM_021954.4(GJA3):c.20T>C (p.Leu7Pro)

Gene: GJA3 (gap junction protein alpha 3; minus strand). Cytogenetic location: 13q12.11.
Variant type: single nucleotide variant.
Coding change: c.20T>C on transcript NM_021954.4 (MANE Select); coding-DNA position 20, T replaced by C.
Protein change: p.Leu7Pro; replaces leucine 7 with proline.
Molecular consequence: missense variant.
Genome position (GRCh38, 1-based): chr13:20,143,269, A>G on the plus strand (T>C on the coding strand, the complement: GJA3 is on the minus strand). VCF-style: chr13-20143269-A-G. GRCh37 (hg19) VCF-style: chr13-20717408-A-G.
Other names: short protein forms L7P.
Identifiers: ClinVar variation 2663261 (VCV002663261.2), dbSNP rs2500174713, ClinGen allele CA387466035.

ClinVar aggregate classification (germline): Uncertain significance. Review status: criteria provided, multiple submitters, no conflicts (2 of 4 stars). 2 submissions from 2 submitters: Uncertain significance (2). Last evaluated 2023-05-12.

Submissions (2):

GeneDx
Classification: Uncertain significance. Last evaluated: 2023-05-12. Review status: criteria provided, single submitter. Criteria: GeneDx Variant Classification Process June 2021. Collection method: clinical testing. Allele origin: germline. Affected: yes.
Comment: Not observed at significant frequency in large population cohorts (gnomAD); In silico analysis supports that this missense variant has a deleterious effect on protein structure/function; Has not been previously published as pathogenic or benign to our knowledge

Blueprint Genetics
Classification: Uncertain significance. Last evaluated: 2020-12-03. Review status: criteria provided, single submitter. Criteria: ACMG Guidelines, 2015. Collection method: clinical testing. Allele origin: germline.